The following is an entry in ClinVar:

ClinVar aggregate classification (germline): Likely benign. Review status: criteria provided, multiple submitters, no conflicts (2 of 4 stars). 6 submissions from 6 submitters: Likely benign (6). Last evaluated 2025-11-17.

Conditions:
Hereditary cancer-predisposing syndrome. Also called: Hereditary Cancer Syndrome; Tumor predisposition; Hereditary neoplastic syndrome; Neoplastic Syndromes, Hereditary. Identifiers: Orphanet 140162, MedGen C0027672, MeSH D009386, MONDO:0015356.

Allele frequency attached by ClinVar (database versions not stated): gnomAD exomes below 0.00001; TOPMed below 0.00001; gnomAD 0.00001.
gnomAD v4.1: 8 of 1,613,176 alleles (0.0005%); highest among the groups gnomAD compares: Middle Eastern, 0.066%; no homozygotes.

Submissions (6):

Labcorp Genetics (formerly Invitae), Labcorp
Classification: Likely benign. Last evaluated: 2025-11-17. Review status: criteria provided, single submitter. Criteria: Invitae Variant Classification Sherloc (09022015). Collection method: clinical testing. Allele origin: germline.

Blueprint Genetics
Classification: Likely benign. Last evaluated: 2024-09-17. Review status: criteria provided, single submitter. Criteria: ACMG Guidelines, 2015. Collection method: clinical testing. Allele origin: germline.

CeGaT Center for Human Genetics Tuebingen
Classification: Likely benign. Last evaluated: 2022-12-01. Review status: criteria provided, single submitter. Criteria: CeGaT Center For Human Genetics Tuebingen Variant Classification Criteria Version 2. Collection method: clinical testing. Allele origin: germline. Affected: yes. Observed: 1 variant allele.
Comment: NTHL1: BP4, BP7

Sema4
Classification: Likely benign for Hereditary cancer-predisposing syndrome. Last evaluated: 2021-02-13. Review status: criteria provided, single submitter. Criteria: Sema4 Curation Guidelines. Collection method: curation. Allele origin: germline.

Ambry Genetics
Classification: Likely benign for Hereditary cancer-predisposing syndrome. Last evaluated: 2020-01-23. Review status: criteria provided, single submitter. Criteria: Ambry Variant Classification Scheme 2023. Collection method: clinical testing. Allele origin: germline.

Breakthrough Genomics
Classification: Likely benign. Review status: criteria provided, single submitter. Criteria: ACMG Guidelines, 2015. Collection method: not provided. Allele origin: germline. Inheritance: Autosomal recessive inheritance. Affected: yes.

NM_002528.7(NTHL1):c.264G>T (p.Leu88=)

Gene: NTHL1 (nth like DNA glycosylase 1; minus strand). Cytogenetic location: 16p13.3.
Variant type: single nucleotide variant.
Coding change: c.264G>T on transcript NM_002528.7 (MANE Select); coding-DNA position 264, G replaced by T.
Protein change: p.Leu88=; no amino-acid change (leucine 88 retained).
Molecular consequence: synonymous variant. On other transcripts: intron variant (1).
Genome position (GRCh38, 1-based): chr16:2,046,218, C>A on the plus strand (G>T on the coding strand, the complement: NTHL1 is on the minus strand). VCF-style: chr16-2046218-C-A. GRCh37 (hg19) VCF-style: chr16-2096219-C-A.
Other names: c.264G>T, p.Leu88= (NM_001318193.2); c.24+62G>T (NM_001318194.2).
Identifiers: ClinVar variation 755483 (VCV000755483.40), dbSNP rs1009261529, ClinGen allele CA276765646.